The following is an entry in ClinVar:

NM_032564.5(DGAT2):c.668A>C (p.Tyr223Ser)

Gene: DGAT2 (diacylglycerol O-acyltransferase 2; plus strand). Cytogenetic location: 11q13.5.
Variant type: single nucleotide variant.
Coding change: c.668A>C on transcript NM_032564.5 (MANE Select); coding-DNA position 668, A replaced by C.
Protein change: p.Tyr223Ser; replaces tyrosine 223 with serine.
Molecular consequence: missense variant.
Genome position (GRCh38, 1-based): chr11:75,797,191, A>C. VCF-style: chr11-75797191-A-C. GRCh37 (hg19) VCF-style: chr11-75508236-A-C.
Other names: c.539A>C, p.Tyr180Ser (NM_001253891.2); short protein forms Y223S, Y180S.
Identifiers: ClinVar variation 4239773 (VCV004239773.2).
Genomic context (GRCh38, chr11:75,797,191, plus strand): 5'-GACTGTTGCGTCCTTCCCTCCCCTCAGGTATCTGCCCTGTCAGCCGGGACACCATAGACT[A>C]TTTGCTTTCAAAGAATGGGAGTGGCAATGCTATCATCATCGTGGTCGGGGGTGCGGCTGA-3'
Protein context (NP_115953.2, residues 213-233): ICPVSRDTID[Tyr223Ser]LLSKNGSGNA

ClinVar aggregate classification (germline): Uncertain significance. Review status: criteria provided, multiple submitters, no conflicts (2 of 4 stars). 2 submissions from 2 submitters: Uncertain significance (2). Last evaluated 2026-06-11.

gnomAD v4.1: 1 of 1,547,368 alleles (0.000065%); highest among the groups gnomAD compares: Admixed American, 0.0019%; no homozygotes.

Submissions (2):

Women's Health and Genetics/Laboratory Corporation of America, LabCorp
Classification: Uncertain significance. Last evaluated: 2026-06-11. Review status: criteria provided, single submitter. Criteria: LabCorp Variant Classification Summary - May 2015. Collection method: clinical testing. Allele origin: germline.
Comment: Variant summary: DGAT2 c.668A>C (p.Tyr223Ser) results in a non-conservative amino acid change in the encoded protein sequence. Algorithms developed to predict the effect of missense changes on protein structure and function are either unavailable or do not agree on the potential impact of this missense change. The variant was absent in 202320 control chromosomes. The available data on variant occurrences in the general population are insufficient to allow any conclusion about variant significance. To our knowledge, no occurrence of c.668A>C in individuals affected with DGAT2-related conditions and no experimental evidence demonstrating its impact on protein function have been reported. ClinVar contains an entry for this variant (Variation ID: 4239773). Based on the evidence outlined above, the variant was classified as uncertain significance.

Ambry Genetics
Classification: Uncertain significance. Last evaluated: 2025-08-07. Review status: criteria provided, single submitter. Criteria: Ambry Variant Classification Scheme 2023. Collection method: clinical testing. Allele origin: germline.